The following is an entry in ClinVar:

NM_000719.7(CACNA1C):c.2530+13C>T

Gene: CACNA1C (calcium voltage-gated channel subunit alpha1 C; plus strand). Cytogenetic location: 12p13.33.
Variant type: single nucleotide variant.
Coding change: c.2530+13C>T on transcript NM_000719.7 (MANE Select); 13 bases into the intron after coding-DNA position 2530, C replaced by T.
Molecular consequence: intron variant.
Genome position (GRCh38, 1-based): chr12:2,585,917, C>T. VCF-style: chr12-2585917-C-T. GRCh37 (hg19) VCF-style: chr12-2695083-C-T.
Other names: c.2530+13C>T (NM_001167624.3, NM_001167623.2, NM_001167625.2 and 18 more transcripts); c.2521+13C>T (NM_001129844.2).
Identifiers: ClinVar variation 377605 (VCV000377605.9), dbSNP rs374170716, ClinGen allele CA6388992.

ClinVar aggregate classification (germline): Benign. Review status: criteria provided, multiple submitters, no conflicts (2 of 4 stars). 2 submissions from 2 submitters: Benign (2). Last evaluated 2026-01-19.

Conditions:
Long QT syndrome (LQTS). Identifiers: MedGen C0023976, MeSH D008133, MONDO:0002442. Disease mechanism: loss of function. Inheritance: Various modes of inheritance.

Allele frequency attached by ClinVar (database versions not stated): gnomAD 0.00055 and 0.00051; TOPMed 0.00056; gnomAD exomes 0.00011; ESP Exome Variant Server 0.00017; 1000 Genomes Project 0.00020; 1000 Genomes Project 30x 0.00031.
gnomAD v4.1: 147 of 1,532,968 alleles (0.0096%); highest among the groups gnomAD compares: African/African-American, 0.15%; no homozygotes.

Submissions (2):

Labcorp Genetics (formerly Invitae), Labcorp
Classification: Benign for Long QT syndrome. Last evaluated: 2026-01-19. Review status: criteria provided, single submitter. Criteria: Invitae Variant Classification Sherloc (09022015). Collection method: clinical testing. Allele origin: germline.

GeneDx
Classification: Benign. Last evaluated: 2016-05-17. Review status: criteria provided, single submitter. Criteria: GeneDx Variant Classification (06012015). Collection method: clinical testing. Allele origin: germline. Affected: yes.
Comment: This variant is considered likely benign or benign based on one or more of the following criteria: it is a conservative change, it occurs at a poorly conserved position in the protein, it is predicted to be benign by multiple in silico algorithms, and/or has population frequency not consistent with disease.